The following is an entry in ClinVar:

NM_174936.4(PCSK9):c.996+5G>A

Gene: PCSK9 (proprotein convertase subtilisin/kexin type 9; plus strand). Cytogenetic location: 1p32.3.
Variant type: single nucleotide variant.
Coding change: c.996+5G>A on transcript NM_174936.4 (MANE Select); 5 bases into the intron after coding-DNA position 996, G replaced by A.
Molecular consequence: intron variant.
Genome position (GRCh38, 1-based): chr1:55,056,194, G>A. VCF-style: chr1-55056194-G-A. GRCh37 (hg19) VCF-style: chr1-55521867-G-A.
Other names: c.621+5G>A (NM_001407246.1); c.1119+5G>A (NM_001407240.1); c.999+5G>A (NM_001407242.1); c.996+5G>A (NM_001407241.1, NM_001407244.1, NM_001407247.1); c.939+5G>A (NM_001407243.1); c.804+5G>A (NM_001407245.1).
Identifiers: ClinVar variation 3387438 (VCV003387438.1).
Genomic context (GRCh38, chr1:55,056,194, plus strand): 5'-CTGCCGGCAACTTCCGGGACGATGCCTGCCTCTACTCCCCAGCCTCAGCTCCCGAGGTAG[G>A]TGCTGGGGCTGCTGCCCCAAGGCGCGGGTAGGGGGCGGAGGGCGGAGGGCGGAGGGAGGG-3'

ClinVar aggregate classification (germline): Uncertain significance (1 of 4 stars; one submission).

Conditions:
Hypercholesterolemia, autosomal dominant, 3 (FHCL3). Also called: Familial Hypercholesterolemia, Autosomal Dominant, 3; PCSK9-Related Familial Hypercholesterolemia, Autosomal Dominant; Familial hypercholesterolemia 3. Identifiers: MedGen C1863551, MONDO:0011369, OMIM 603776.

gnomAD v4.1: 1 of 1,404,148 alleles (0.000071%); highest among the groups gnomAD compares: Non-Finnish European, 0.000094%; no homozygotes.

Submission:

All of Us Research Program, National Institutes of Health
Classification: Uncertain significance for Hypercholesterolemia, autosomal dominant, 3. Last evaluated: 2024-08-30. Review status: criteria provided, single submitter. Criteria: ACMG Guidelines, 2015. Collection method: clinical testing. Allele origin: germline. Inheritance: Autosomal dominant inheritance. Observed: 1 variant allele, 1 heterozygote.
Comment: This study involves interpretation of variants in research participants for the purpose of population health screening. Participant phenotype was not available at the time of variant classification. Additional details can be found in publication PMID: 35346344, PMCID: PMC8962531